The following is an entry in ClinVar:

NM_014363.6(SACS):c.5341C>T (p.Leu1781Phe)

Gene: SACS (sacsin molecular chaperone; minus strand). Cytogenetic location: 13q12.12.
Variant type: single nucleotide variant.
Coding change: c.5341C>T on transcript NM_014363.6 (MANE Select); coding-DNA position 5341, C replaced by T.
Protein change: p.Leu1781Phe; replaces leucine 1781 with phenylalanine.
Molecular consequence: missense variant.
Genome position (GRCh38, 1-based): chr13:23,338,535, G>A on the plus strand (C>T on the coding strand, the complement: SACS is on the minus strand). VCF-style: chr13-23338535-G-A. GRCh37 (hg19) VCF-style: chr13-23912674-G-A.
Other names: c.4900C>T, p.Leu1634Phe (NM_001278055.2); short protein forms L1634F, L1781F.
Identifiers: ClinVar variation 2684329 (VCV002684329.1), dbSNP rs764461676, ClinGen allele CA6911261.

ClinVar aggregate classification (germline): Uncertain significance (1 of 4 stars; one submission).

Allele frequency attached by ClinVar (database versions not stated): TOPMed below 0.00001.
gnomAD v4.1: 7 of 1,614,056 alleles (0.00043%); highest among the groups gnomAD compares: Non-Finnish European, 0.00051%; no homozygotes.

Submission:

Athena Diagnostics
Classification: Uncertain significance. Last evaluated: 2023-03-10. Review status: criteria provided, single submitter. Criteria: Athena Diagnostics Criteria. Collection method: clinical testing. Allele origin: unknown.
Comment: Available data are insufficient to determine the clinical significance of the variant at this time. The frequency of this variant in the general population is uninformative in assessment of its pathogenicity. Computational tools predict that this variant is not damaging.